The following is an entry in ClinVar:

ClinVar aggregate classification (germline): Likely pathogenic. Review status: criteria provided, multiple submitters, no conflicts (2 of 4 stars). 6 submissions from 5 submitters: Likely pathogenic (5). 1 of the submissions does not count toward it. Last evaluated 2026-03-11.

Conditions:
Oculocutaneous albinism type 1A (OCA1A). Also called: Albinism, oculocutaneous, type IA. Identifiers: Orphanet 352731, Orphanet 79431, MedGen C4551504, MONDO:0008745, OMIM 203100. Disease mechanism: loss of function.
Oculocutaneous albinism type 1B (OCA1B). Also called: ALBINISM, OCULOCUTANEOUS, TYPE IB; ALBINISM, YELLOW MUTANT TYPE; YELLOW ALBINISM. Identifiers: Orphanet 352731, Orphanet 352737, Orphanet 79434, MedGen C1847024, MONDO:0011749, OMIM 606952.

Submissions (6):

Institute of Human Genetics, Heidelberg University
Classification: Likely pathogenic for Oculocutaneous albinism type 1B. Last evaluated: 2026-03-11. Review status: criteria provided, single submitter. Criteria: ACMG Guidelines, 2015. Collection method: clinical testing. Allele origin: maternal. Affected: yes. Observed: 2 variant alleles.
Comment: PM3_vs

Equipe Genetique des Anomalies du Developpement, Université de Bourgogne
Classification: Likely pathogenic for Oculocutaneous albinism type 1B. Last evaluated: 2023-02-17. Review status: criteria provided, single submitter. Criteria: ACMG Guidelines, 2015. Collection method: clinical testing. Allele origin: maternal. Inheritance: Autosomal recessive inheritance. Affected: yes.
Comment: Combination of these two variants appears to be a hypomorphic allele These variants were observed in compound heterozygosity with c.1467dup variant

Johns Hopkins Genomics, Johns Hopkins University
Classification: Likely pathogenic for Oculocutaneous albinism type 1A. Last evaluated: 2022-10-10. Review status: criteria provided, single submitter. Criteria: ACMG Guidelines, 2015. Collection method: clinical testing. Allele origin: germline.
Comment: c.[575C>A;1205G>A] is a complex allele containing two TYR variants (rs1042602; rs1126809) that are located on the same chromosome (in cis). Each variant has an entry in ClinVar. The pathogenicity of these individual variants and their contribution to the OCA1 phenotype has been debated. Previously described as benign polymorphisms due to their frequency in the general population (25 and 18% respectively), recent evidence supports pathogenicity of these two variants when they occur on the same haplotype and are co-inherited with a pathogenic TYR variant on the opposite chromosome (in trans). The resulting hypomorphic allele, p.[Ser192Tyr;Arg402Gln], exhibits an additive thermosensitive decrease in tyrosinase enzyme activity compared to each variant individually. This variant likely occurs in trans with a known pathogenic TYR variant. Based on the available evidence, we consider this complex allele, which combines c.575C>A and c.1205G>A, to be likely pathogenic.

Johns Hopkins Genomics, Johns Hopkins University
Classification: Likely pathogenic for Oculocutaneous albinism type 1B. Last evaluated: 2022-10-10. Review status: criteria provided, single submitter. Criteria: ACMG Guidelines, 2015. Collection method: clinical testing. Allele origin: germline.
Comment: the same text as in the submission from Johns Hopkins Genomics, Johns Hopkins University above.

PreventionGenetics, part of Exact Sciences
Classification: Likely pathogenic for Oculocutaneous albinism type 1A. Review status: criteria provided, single submitter. Criteria: ACMG Guidelines, 2015. Collection method: clinical testing. Allele origin: germline.
Comment: These two variants are both very common in the general population, with c.575C>A (p.Ser192Tyr) being documented in 45% of alleles in individuals of Ashkenazi Jewish descent and c.1205G>A (p.Arg402Gln) being documented in 27% of alleles in individuals of European (Non-Finnish) descent. Given the high allele frequencies, including thousands of homozygotes for both variants, these variants are not considered pathogenic individually. However, when these two variants are in cis (present in the same copy of TYR), there is strong evidence that they create a pathogenic allele. Functional and phenotypic studies of the complex allele (p.[Arg402Gln;Ser192Tyr]; commonly referred to as a haplotype in the literature) indicate that the two substitutions have a compound effect on thermal stability of the protein and phenotypic spectrum of the individual (Tripathi et al. 1991. PubMed ID: 1820207; Chaki et al. 2011. PubMed ID: 20861851; Jagirdar et al. 2014. PubMed ID: 24739399). The p.[Arg402Gln;Ser192Tyr] allele is thought to be a recombination of the two individual variant alleles and is reported in ~1-2% of alleles (Jagirdar et al. 2014. PubMed ID: 24739399; Norman et al. 2017. PubMed ID: 28667292). However, this complex allele is enriched (up to 20%) in OCA patients with only one previously identified pathogenic variant in TYR (Lasseaux et al. 2018. PubMed ID: 29345414; Grønskov et al. 2019. PubMed ID: 30679655; Campbell et al. 2019. PubMed ID: 31719542). Given the evidence, we interpret the p.[Arg402Gln;Ser192Tyr] allele as likely pathogenic.

Rare Disease Group, University of Exeter
Classification: Likely pathogenic for Oculocutaneous albinism type 1B. Review status: no assertion criteria provided. Collection method: research. Allele origin: inherited. Affected: yes. Not counted in ClinVar's aggregate classification.
Comment: Hypomorphic allele

Literature cited by the submitters: PubMed 35027574 (cited by Equipe Genetique des Anomalies du Developpement, Université de Bourgogne and Johns Hopkins Genomics, Johns Hopkins University); PubMed 28667292 (cited by Johns Hopkins Genomics, Johns Hopkins University).

NM_000372.5(TYR):c.[1205G>A;575C>A]

Variant type: Haplotype.
Identifiers: ClinVar variation 1301878 (VCV001301878.4).